The following is an entry in ClinVar:

ClinVar aggregate classification (germline): Uncertain significance (1 of 4 stars; one submission).

Allele frequency attached by ClinVar (database versions not stated): gnomAD exomes 0.00001.
gnomAD v4.1: 4 of 1,600,166 alleles (0.00025%); highest among the groups gnomAD compares: Admixed American, 0.0033%; no homozygotes.

Submission:

Labcorp Genetics (formerly Invitae), Labcorp
Classification: Uncertain significance. Last evaluated: 2022-07-05. Review status: criteria provided, single submitter. Criteria: Invitae Variant Classification Sherloc (09022015). Collection method: clinical testing. Allele origin: germline.
Comment: In summary, the available evidence is currently insufficient to determine the role of this variant in disease. Therefore, it has been classified as a Variant of Uncertain Significance. Algorithms developed to predict the effect of missense changes on protein structure and function (SIFT, PolyPhen-2, Align-GVGD) all suggest that this variant is likely to be tolerated. This variant has not been reported in the literature in individuals affected with TELO2-related conditions. The frequency data for this variant in the population databases is considered unreliable, as metrics indicate poor data quality at this position in the gnomAD database. This sequence change replaces valine, which is neutral and non-polar, with leucine, which is neutral and non-polar, at codon 200 of the TELO2 protein (p.Val200Leu).

NM_016111.4(TELO2):c.598G>T (p.Val200Leu)

Gene: TELO2 (telomere maintenance 2; plus strand). Cytogenetic location: 16p13.3.
Variant type: single nucleotide variant.
Coding change: c.598G>T on transcript NM_016111.4 (MANE Select); coding-DNA position 598, G replaced by T.
Protein change: p.Val200Leu; replaces valine 200 with leucine.
Molecular consequence: missense variant.
Genome position (GRCh38, 1-based): chr16:1,495,608, G>T. VCF-style: chr16-1495608-G-T. GRCh37 (hg19) VCF-style: chr16-1545609-G-T.
Other names: c.598G>T, p.Val200Leu (NM_001351846.2); short protein forms V200L.
Identifiers: ClinVar variation 2127142 (VCV002127142.2), dbSNP rs1249187214, ClinGen allele CA394207828.
Genomic context (GRCh38, chr16:1,495,608, plus strand): 5'-TTCCCCCAGAACTACTTCCGCCTGCTCGGCGAGGAGGTCGTCCGGGTGCTGCAGGCGGTT[G>T]TGGACTCTCTCCAAGGTGAGGCCCTGCCTCGGGGACCCCCTTTGCCACCCGTCTTCTTGG-3'
Protein context (NP_057195.2, residues 190-210): EEVVRVLQAV[Val200Leu]DSLQGGLDSS